The following is an entry in ClinVar:

NM_004168.4(SDHA):c.1408A>C (p.Ser470Arg)

Gene: SDHA (succinate dehydrogenase complex flavoprotein subunit A; plus strand). Cytogenetic location: 5p15.33.
Variant type: single nucleotide variant.
Coding change: c.1408A>C on transcript NM_004168.4 (MANE Select); coding-DNA position 1408, A replaced by C.
Protein change: p.Ser470Arg; replaces serine 470 with arginine.
Molecular consequence: missense variant.
Genome position (GRCh38, 1-based): chr5:236,575, A>C. VCF-style: chr5-236575-A-C. GRCh37 (hg19) VCF-style: chr5-236690-A-C.
Other names: c.1264A>C, p.Ser422Arg (NM_001294332.2); c.1408A>C, p.Ser470Arg (NM_001330758.2); short protein forms S422R, S470R.
Identifiers: ClinVar variation 999188 (VCV000999188.13), dbSNP rs1735799664, ClinGen allele CA359014090.

ClinVar aggregate classification (germline): Uncertain significance (1 of 4 stars; one submission).

Conditions:
Mitochondrial complex II deficiency, nuclear type 1. Also called: SUCCINATE CoQ REDUCTASE DEFICIENCY. Identifiers: Orphanet 3208, MedGen C5700310, MONDO:0100294, OMIM 252011.
Pheochromocytoma/paraganglioma syndrome 5. Also called: Paragangliomas 5; SDHA-Related Hereditary Paraganglioma-Pheochromocytoma Syndrome. Identifiers: Orphanet 29072, MedGen C3279992, MONDO:0013602, OMIM 614165.

Submission:

Labcorp Genetics (formerly Invitae), Labcorp
Classification: Uncertain significance for Pheochromocytoma/paraganglioma syndrome 5; Mitochondrial complex II deficiency, nuclear type 1. Last evaluated: 2020-02-17. Review status: criteria provided, single submitter. Criteria: Invitae Variant Classification Sherloc (09022015). Collection method: clinical testing. Allele origin: germline.
Comment: In summary, the available evidence is currently insufficient to determine the role of this variant in disease. Therefore, it has been classified as a Variant of Uncertain Significance. Algorithms developed to predict the effect of missense changes on protein structure and function are either unavailable or do not agree on the potential impact of this missense change (SIFT: "Tolerated"; PolyPhen-2: "Benign"; Align-GVGD: "Class C0"). This variant has not been reported in the literature in individuals with SDHA-related conditions. This variant is not present in population databases (ExAC no frequency). This sequence change replaces serine with arginine at codon 470 of the SDHA protein (p.Ser470Arg). The serine residue is weakly conserved and there is a moderate physicochemical difference between serine and arginine.